The following is an entry in ClinVar:

ClinVar aggregate classification (germline): Uncertain significance (1 of 4 stars; one submission).

Conditions:
Mucopolysaccharidosis, MPS-IV-B (MPS4B). Also called: Mucopolysaccharidosis type IV B; Mucopolysaccharidosis Type IVB; Mucopolysaccharidosis type 4B; Mucopolysaccharidosis type IVB (Morquio); MPS IVB; MORQUIO SYNDROME B. Identifiers: Orphanet 309310, Orphanet 582, MedGen C0086652, MONDO:0009660, OMIM 253010.
GM1 gangliosidosis. Identifiers: Orphanet 354, MedGen C0085131, MONDO:0018149.

Submission:

Labcorp Genetics (formerly Invitae), Labcorp
Classification: Uncertain significance for Mucopolysaccharidosis, MPS-IV-B; GM1 gangliosidosis. Last evaluated: 2022-09-27. Review status: criteria provided, single submitter. Criteria: Invitae Variant Classification Sherloc (09022015). Collection method: clinical testing. Allele origin: germline.
Comment: This sequence change replaces arginine, which is basic and polar, with histidine, which is basic and polar, at codon 521 of the GLB1 protein (p.Arg521His). This variant is present in population databases (rs186781398, gnomAD 0.004%). This variant has not been reported in the literature in individuals affected with GLB1-related conditions. Algorithms developed to predict the effect of missense changes on protein structure and function output the following: SIFT: "Not Available"; PolyPhen-2: "Not Available"; Align-GVGD: "Not Available". The histidine amino acid residue is found in multiple mammalian species, which suggests that this missense change does not adversely affect protein function. In summary, the available evidence is currently insufficient to determine the role of this variant in disease. Therefore, it has been classified as a Variant of Uncertain Significance.

NM_000404.4(GLB1):c.1561_1562inv (p.Cys521His)

Gene: GLB1 (galactosidase beta 1; minus strand). Cytogenetic location: 3p22.3.
Variant type: Inversion.
Coding change: c.1561_1562inv on transcript NM_000404.4 (MANE Select).
Protein change: p.Cys521His; replaces cysteine 521 with histidine.
Molecular consequence: missense variant.
Genome position: GRCh38 VCF-style: chr3-33014228-CA-TG. GRCh37 (hg19) VCF-style: chr3-33055720-CA-TG.
Other names: c.1471_1472inv, p.Cys491His (NM_001079811.3); c.1168_1169inv, p.Cys390His (NM_001135602.3); c.1705_1706inv, p.Cys569His (NM_001317040.2); short protein forms C390H, C491H, C521H, C569H.
Identifiers: ClinVar variation 1005326 (VCV001005326.2), ClinGen allele CA2499216657.